The following is an entry in ClinVar:

NM_004385.5(VCAN):c.1070G>A (p.Ser357Asn)

Gene: VCAN (versican; plus strand). Cytogenetic location: 5q14.3.
Variant type: single nucleotide variant.
Coding change: c.1070G>A on transcript NM_004385.5 (MANE Select); coding-DNA position 1070, G replaced by A.
Protein change: p.Ser357Asn; replaces serine 357 with asparagine.
Molecular consequence: missense variant. On other transcripts: intron variant (2).
Genome position (GRCh38, 1-based): chr5:83,519,376, G>A. VCF-style: chr5-83519376-G-A. GRCh37 (hg19) VCF-style: chr5-82815195-G-A.
Other names: c.1070G>A, p.Ser357Asn (NM_001164098.2); c.1042+6980G>A (NM_001164097.2, NM_001126336.3); short protein forms S357N.
Identifiers: ClinVar variation 1366409 (VCV001366409.8), dbSNP rs2112405976, ClinGen allele CA360298939.

ClinVar aggregate classification (germline): Uncertain significance (1 of 4 stars; one submission).

Submission:

Labcorp Genetics (formerly Invitae), Labcorp
Classification: Uncertain significance. Last evaluated: 2021-07-08. Review status: criteria provided, single submitter. Criteria: Invitae Variant Classification Sherloc (09022015). Collection method: clinical testing. Allele origin: germline.
Comment: This sequence change replaces serine with asparagine at codon 357 of the VCAN protein (p.Ser357Asn). The serine residue is weakly conserved and there is a small physicochemical difference between serine and asparagine. This variant is not present in population databases (ExAC no frequency). This variant has not been reported in the literature in individuals affected with VCAN-related conditions. Algorithms developed to predict the effect of missense changes on protein structure and function output the following: SIFT: "Tolerated"; PolyPhen-2: "Benign"; Align-GVGD: "Class C0". The asparagine amino acid residue is found in multiple mammalian species, which suggests that this missense change does not adversely affect protein function. In summary, the available evidence is currently insufficient to determine the role of this variant in disease. Therefore, it has been classified as a Variant of Uncertain Significance.